The following is an entry in ClinVar:

NM_015662.3(IFT172):c.1168-8C>T

Gene: IFT172 (intraflagellar transport 172; minus strand). Cytogenetic location: 2p23.3.
Variant type: single nucleotide variant.
Coding change: c.1168-8C>T on transcript NM_015662.3 (MANE Select); 8 bases into the intron before coding-DNA position 1168, C replaced by T.
Molecular consequence: intron variant.
Genome position (GRCh38, 1-based): chr2:27,477,620, G>A on the plus strand (C>T on the coding strand, the complement: IFT172 is on the minus strand). VCF-style: chr2-27477620-G-A. GRCh37 (hg19) VCF-style: chr2-27700487-G-A.
Other names: c.1168-8C>T (NM_015662.2).
Identifiers: ClinVar variation 2057468 (VCV002057468.5), dbSNP rs770614065, ClinGen allele CA1580744.

ClinVar aggregate classification (germline): Likely benign. Review status: criteria provided, single submitter (1 of 4 stars). 2 submissions from 2 submitters: Likely benign (1). 1 of the submissions does not count toward it. Last evaluated 2025-10-07.

Conditions:
IFT172-related disorder. Also called: IFT172-related condition; IFT172-related disorders.
Retinitis pigmentosa 71 (RP71). Identifiers: Orphanet 791, MedGen C4225342, MONDO:0014618, OMIM 616394.
Short-rib thoracic dysplasia 10 with or without polydactyly (SRTD10). Identifiers: Orphanet 474, MedGen C3810175, MONDO:0014284, OMIM 615630.

Allele frequency attached by ClinVar (database versions not stated): ExAC 0.00001; gnomAD exomes 0.00001; TOPMed 0.00002.
gnomAD v4.1: 12 of 1,595,364 alleles (0.00075%); highest among the groups gnomAD compares: East Asian, 0.0045%; no homozygotes.

Submissions (2):

Labcorp Genetics (formerly Invitae), Labcorp
Classification: Likely benign for Retinitis pigmentosa 71; Short-rib thoracic dysplasia 10 with or without polydactyly. Last evaluated: 2025-10-07. Review status: criteria provided, single submitter. Criteria: Invitae Variant Classification Sherloc (09022015). Collection method: clinical testing. Allele origin: germline.

PreventionGenetics, part of Exact Sciences
Classification: Likely benign for IFT172-related condition. Last evaluated: 2024-07-18. Review status: no assertion criteria provided. Collection method: clinical testing. Allele origin: germline. Not counted in ClinVar's aggregate classification.
Comment: This variant is classified as likely benign based on ACMG/AMP sequence variant interpretation guidelines (Richards et al. 2015 PMID: 25741868, with internal and published modifications).